The following is an entry in ClinVar:

NM_001184900.3(CARD8):c.1009G>A (p.Val337Ile)

Gene: CARD8 (caspase recruitment domain family member 8; minus strand). Cytogenetic location: 19q13.33.
Variant type: single nucleotide variant.
Coding change: c.1009G>A on transcript NM_001184900.3 (MANE Select); coding-DNA position 1009, G replaced by A.
Protein change: p.Val337Ile; replaces valine 337 with isoleucine.
Molecular consequence: missense variant. On other transcripts: non-coding transcript variant (4).
Genome position (GRCh38, 1-based): chr19:48,230,464, C>T on the plus strand (G>A on the coding strand, the complement: CARD8 is on the minus strand). VCF-style: chr19-48230464-C-T. GRCh37 (hg19) VCF-style: chr19-48733721-C-T.
Other names: c.859G>A, p.Val287Ile (NM_001184901.1, NM_001351783.2, NM_001351788.2 and 2 more transcripts); c.1009G>A, p.Val337Ile (NM_001184902.2, NM_001184903.1, NM_001351782.2); c.694G>A, p.Val232Ile (NM_001351784.2, NM_001351787.2, NM_001351791.2 and 1 more transcripts); c.673G>A, p.Val225Ile (NM_001351786.2); c.766G>A, p.Val256Ile (NM_001351790.2); c.691G>A, p.Val231Ile (NM_001365950.1); c.184G>A, p.Val62Ile (NM_001426741.1); short protein forms V62I, V231I, V232I, V287I, V256I, V337I, V225I.
Identifiers: ClinVar variation 2848613 (VCV002848613.3), dbSNP rs763645622, ClinGen allele CA9547848.
Genomic context (GRCh38, chr19:48,230,464, plus strand): 5'-CATCTTCTCTGGTCTCCTAAATCACTCAGCTTACCTTTGTTAGCAAGGCGTCGCTGGGGA[C>T]AAGGTACAAGTGGAACTTAATATCTTCGGGGTGGGGGTGATAATAGATCAATGTGTTGGA-3'
Protein context (NP_001171829.1, residues 327-347): PEDIKFHLYL[Val337Ile]PSDALLTKAI

ClinVar aggregate classification (germline): Uncertain significance (1 of 4 stars; one submission).

gnomAD v4.1: 3 of 1,611,086 alleles (0.00019%); highest among the groups gnomAD compares: Admixed American, 0.005%; no homozygotes.

Submission:

Labcorp Genetics (formerly Invitae), Labcorp
Classification: Uncertain significance. Last evaluated: 2023-08-02. Review status: criteria provided, single submitter. Criteria: Invitae Variant Classification Sherloc (09022015). Collection method: clinical testing. Allele origin: germline.
Comment: This sequence change replaces valine, which is neutral and non-polar, with isoleucine, which is neutral and non-polar, at codon 287 of the CARD8 protein (p.Val287Ile). This variant is present in population databases (rs763645622, gnomAD 0.006%). This variant has not been reported in the literature in individuals affected with CARD8-related conditions. Algorithms developed to predict the effect of missense changes on protein structure and function output the following: SIFT: "Not Available"; PolyPhen-2: "Benign"; Align-GVGD: "Not Available". The isoleucine amino acid residue is found in multiple mammalian species, which suggests that this missense change does not adversely affect protein function. In summary, the available evidence is currently insufficient to determine the role of this variant in disease. Therefore, it has been classified as a Variant of Uncertain Significance.